The following is an entry in ClinVar:

ClinVar aggregate classification (germline): Uncertain significance. Review status: criteria provided, multiple submitters, no conflicts (2 of 4 stars). 3 submissions from 3 submitters: Uncertain significance (3). Last evaluated 2025-05-14.

Conditions:
Thyroid dyshormonogenesis 6 (TDH6). Also called: HYPOTHYROIDISM, CONGENITAL, DUE TO DYSHORMONOGENESIS, 6; Genetic transient congenital hypothyroidism; THYROID HORMONOGENESIS, GENETIC DEFECT IN, 6. Identifiers: Orphanet 226316, Orphanet 95716, MedGen C1846632, MONDO:0011792, OMIM 607200.

Allele frequency attached by ClinVar (database versions not stated): TOPMed below 0.00001; ExAC 0.00001; gnomAD 0.00001 and 0.00002; gnomAD exomes 0.00001; 1000 Genomes Project 30x 0.00031; 1000 Genomes Project 0.00040.
gnomAD v4.1: 4 of 1,614,030 alleles (0.00025%); highest among the groups gnomAD compares: Admixed American, 0.0067%; no homozygotes.

Submissions (3):

Revvity Omics, Revvity
Classification: Uncertain significance for Thyroid dyshormonogenesis 6. Last evaluated: 2025-05-14. Review status: criteria provided, single submitter. Criteria: ACMG Guidelines, 2015. Collection method: clinical testing. Allele origin: germline.

Labcorp Genetics (formerly Invitae), Labcorp
Classification: Uncertain significance. Last evaluated: 2024-09-08. Review status: criteria provided, single submitter. Criteria: Invitae Variant Classification Sherloc (09022015). Collection method: clinical testing. Allele origin: germline.
Comment: This sequence change replaces tryptophan, which is neutral and slightly polar, with arginine, which is basic and polar, at codon 518 of the DUOX2 protein (p.Trp518Arg). This variant is present in population databases (rs543781904, gnomAD 0.003%). This variant has not been reported in the literature in individuals affected with DUOX2-related conditions. ClinVar contains an entry for this variant (Variation ID: 1687179). Invitae Evidence Modeling of protein sequence and biophysical properties (such as structural, functional, and spatial information, amino acid conservation, physicochemical variation, residue mobility, and thermodynamic stability) indicates that this missense variant is expected to disrupt DUOX2 protein function with a positive predictive value of 80%. In summary, the available evidence is currently insufficient to determine the role of this variant in disease. Therefore, it has been classified as a Variant of Uncertain Significance.

3billion
Classification: Uncertain significance for Thyroid dyshormonogenesis 6. Last evaluated: 2022-05-22. Review status: criteria provided, single submitter. Criteria: ACMG Guidelines, 2015. Collection method: clinical testing. Allele origin: germline. Affected: yes. Observed: 1 heterozygote.
Comment: The variant is observed at an extremely low frequency in the gnomAD v2.1.1 dataset (total allele frequency: <0.001%). In silico tool predictions suggest damaging effect of the variant on gene or gene product (REVEL: 0.80; 3Cnet: 0.83). The variant is in trans with the other variant (3billion dataset). Therefore, this variant is classified as uncertain significanceaccording to the recommendation of ACMG/AMP guideline.

NM_001363711.2(DUOX2):c.1552T>A (p.Trp518Arg)

Gene: DUOX2 (dual oxidase 2; minus strand). Cytogenetic location: 15q21.1.
Variant type: single nucleotide variant.
Coding change: c.1552T>A on transcript NM_001363711.2 (MANE Select); coding-DNA position 1552, T replaced by A.
Protein change: p.Trp518Arg; replaces tryptophan 518 with arginine.
Molecular consequence: missense variant.
Genome position (GRCh38, 1-based): chr15:45,108,069, A>T on the plus strand (T>A on the coding strand, the complement: DUOX2 is on the minus strand). VCF-style: chr15-45108069-A-T. GRCh37 (hg19) VCF-style: chr15-45400267-A-T.
Other names: c.1552T>A, p.Trp518Arg (NM_014080.5); c.1552T>A (NM_014080.4); short protein forms W518R.
Identifiers: ClinVar variation 1687179 (VCV001687179.4), dbSNP rs543781904, ClinGen allele CA7538581.